The following is an entry in ClinVar:

ClinVar aggregate classification (germline): Likely benign. Review status: criteria provided, multiple submitters, no conflicts (2 of 4 stars). 2 submissions from 2 submitters: Likely benign (2). Last evaluated 2025-04-26.

Conditions:
UCP3-related disorder. Also called: UCP3-related condition.

Submissions (2):

PreventionGenetics, part of Exact Sciences
Classification: Likely benign for UCP3-related condition. Last evaluated: 2025-04-26. Review status: criteria provided, single submitter. Criteria: ACMG Guidelines, 2015. Collection method: clinical testing. Allele origin: germline.
Comment: This variant is classified as likely benign based on ACMG/AMP sequence variant interpretation guidelines (Richards et al. 2015 PMID: 25741868, with internal and published modifications).

Blueprint Genetics
Classification: Likely benign. Last evaluated: 2023-08-03. Review status: criteria provided, single submitter. Criteria: ACMG Guidelines, 2015. Collection method: clinical testing. Allele origin: germline.

NM_003356.4(UCP3):c.465C>T (p.Ser155=)

Gene: UCP3 (uncoupling protein 3; minus strand). Cytogenetic location: 11q13.4.
Variant type: single nucleotide variant.
Coding change: c.465C>T on transcript NM_003356.4 (MANE Select); coding-DNA position 465, C replaced by T.
Protein change: p.Ser155=; no amino-acid change (serine 155 retained).
Molecular consequence: synonymous variant.
Genome position (GRCh38, 1-based): chr11:74,005,806, G>A on the plus strand (C>T on the coding strand, the complement: UCP3 is on the minus strand). VCF-style: chr11-74005806-G-A. GRCh37 (hg19) VCF-style: chr11-73716851-G-A.
Other names: c.465C>T, p.Ser155= (NM_022803.3); c.465C>T (NM_003356.3).
Identifiers: ClinVar variation 4913038 (VCV004913038.2).
Genomic context (GRCh38, chr11:74,005,806, plus strand): 5'-GACTCCTTCCTCCCTGGCGATGGTTCTGTAGGCGTCCATAGTCCCGCTGTATTTTCTGTC[G>A]CTCCTGGATGGCCCGAGGTGTATGCTGGCCTGAAATCGGACCTTCACCACATCTGTGGGC-3'
Protein context (NP_003347.1, residues 145-165): QASIHLGPSR[Ser155=]DRKYSGTMDA